The following is an entry in ClinVar:

ClinVar aggregate classification (germline): Conflicting classifications of pathogenicity. Review status: criteria provided, conflicting classifications (1 of 4 stars). 9 submissions from 8 submitters: Uncertain significance (2); Benign (1); Likely benign (5). 1 of the submissions does not count toward it. Last evaluated 2026-01-28.

Conditions:
Birt-Hogg-Dube syndrome 1 (BHD1). Also called: FIBROFOLLICULOMAS WITH TRICHODISCOMAS AND ACROCHORDONS. Identifiers: Orphanet 122, MedGen CN375946, MONDO:0800445, OMIM 135150.
FLCN-related disorder. Also called: FLCN-related condition.
Hereditary cancer-predisposing syndrome. Also called: Tumor predisposition; Hereditary Cancer Syndrome; Neoplastic Syndromes, Hereditary; Hereditary neoplastic syndrome. Identifiers: Orphanet 140162, MedGen C0027672, MeSH D009386, MONDO:0015356.
Familial spontaneous pneumothorax (PSP). Identifiers: Orphanet 2903, MedGen C1868193, MONDO:0008259, OMIM 173600.
Birt-Hogg-Dube syndrome. Also called: Birt Hogg Dubé syndrome. Identifiers: Orphanet 122, MedGen C0346010, MONDO:0800444.

Allele frequency attached by ClinVar (database versions not stated): gnomAD 0.00012 and 0.00014; gnomAD exomes 0.00013 and 0.00029; TOPMed 0.00017; ExAC 0.00018; ESP Exome Variant Server 0.00031.
gnomAD v4.1: 450 of 1,614,148 alleles (0.028%); highest among the groups gnomAD compares: Non-Finnish European, 0.034%; no homozygotes.

Submissions (9):

Labcorp Genetics (formerly Invitae), Labcorp
Classification: Likely benign for Birt-Hogg-Dube syndrome. Last evaluated: 2026-01-28. Review status: criteria provided, single submitter. Criteria: Invitae Variant Classification Sherloc (09022015). Collection method: clinical testing. Allele origin: germline.

Myriad Genetics, Inc.
Classification: Likely benign for Birt-Hogg-Dube syndrome 1. Last evaluated: 2024-10-23. Review status: criteria provided, single submitter. Criteria: Myriad Autosomal Dominant, Autosomal Recessive and X-Linked Classification Criteria (2023). Collection method: clinical testing. Allele origin: unknown.
Comment: This variant is considered likely benign. This variant has been observed at a population frequency that is significantly greater than expected given the associated disease prevalence and penetrance.

CeGaT Center for Human Genetics Tuebingen
Classification: Uncertain significance. Last evaluated: 2022-04-01. Review status: criteria provided, single submitter. Criteria: CeGaT Center For Human Genetics Tuebingen Variant Classification Criteria Version 2. Collection method: clinical testing. Allele origin: germline. Affected: yes. Observed: 1 variant allele.

GeneDx
Classification: Likely benign. Last evaluated: 2020-04-15. Review status: criteria provided, single submitter. Criteria: GeneDx Variant Classification Process June 2021. Collection method: clinical testing. Allele origin: germline. Affected: yes.

Ambry Genetics
Classification: Likely benign for Hereditary cancer-predisposing syndrome. Last evaluated: 2018-10-08. Review status: criteria provided, single submitter. Criteria: Ambry Variant Classification Scheme 2023. Collection method: clinical testing. Allele origin: germline.

Illumina Laboratory Services, Illumina
Classification: Benign for Birt-Hogg-Dube syndrome 1. Last evaluated: 2018-01-12. Review status: criteria provided, single submitter. Criteria: ICSL Variant Classification Criteria 13 December 2019. Collection method: clinical testing. Allele origin: germline.
Comment: This variant was observed in the ICSL laboratory as part of a predisposition screen in an ostensibly healthy population. It had not been previously curated by ICSL or reported in the Human Gene Mutation Database (HGMD: prior to June 1st, 2018), and was therefore a candidate for classification through an automated scoring system. Utilizing variant allele frequency, disease prevalence and penetrance estimates, and inheritance mode, an automated score was calculated to assess if this variant is too frequent to cause the disease. Based on the score and internal cut-off values, a variant classified as benign is not then subjected to further curation. The score for this variant resulted in a classification of benign for this disease.

Illumina Laboratory Services, Illumina
Classification: Uncertain significance for Familial spontaneous pneumothorax. Last evaluated: 2018-01-12. Review status: criteria provided, single submitter. Criteria: ICSL Variant Classification Criteria 13 December 2019. Collection method: clinical testing. Allele origin: germline.

Women's Health and Genetics/Laboratory Corporation of America, LabCorp
Classification: Likely benign. Last evaluated: 2016-08-31. Review status: criteria provided, single submitter. Criteria: LabCorp Variant Classification Summary - May 2015. Collection method: clinical testing. Allele origin: germline.
Comment: Variant summary: The FLCN c.977C>T (p.Pro326Leu) variant involves the alteration of a non-conserved nucleotide. 4/5 in silico tools predict a benign outcome for this variant. This variant was found in 22/121304 control chromosomes at a frequency of 0.0001814, which is approximately 145 times the estimated maximal expected allele frequency of a pathogenic FLCN variant (0.0000013), suggesting this variant is likely a benign polymorphism. However, only 22 allele carriers were reported in this dataset, which is not a large enough number to definitively classify this variant as benign in the absence of other information. The variant of interest has not, to our knowledge, been reported in affected individuals via publications and/or reputable databases/clinical diagnostic laboratories; nor evaluated for functional impact by in vivo/vitro studies. Taken together, this variant is classified as likely benign.

PreventionGenetics, part of Exact Sciences
Classification: Uncertain significance for FLCN-related condition. Last evaluated: 2024-06-17. Review status: no assertion criteria provided. Collection method: clinical testing. Allele origin: germline. Not counted in ClinVar's aggregate classification.
Comment: The FLCN c.977C>T variant is predicted to result in the amino acid substitution p.Pro326Leu. To our knowledge, this variant has not been reported in the literature. This variant is reported in 0.021% of alleles in individuals of European (Non-Finnish) descent in gnomAD and has conflicting interpretations regarding its pathogenicity in ClinVar, ranging from benign to uncertain significance. Although we suspect this variant may be benign, at this time, the clinical significance of this variant is uncertain due to the absence of conclusive functional and genetic evidence.

NM_144997.7(FLCN):c.977C>T (p.Pro326Leu)

Gene: FLCN (folliculin; minus strand). Cytogenetic location: 17p11.2.
Variant type: single nucleotide variant.
Coding change: c.977C>T on transcript NM_144997.7 (MANE Select); coding-DNA position 977, C replaced by T.
Protein change: p.Pro326Leu; replaces proline 326 with leucine.
Molecular consequence: missense variant.
Genome position (GRCh38, 1-based): chr17:17,219,104, G>A on the plus strand (C>T on the coding strand, the complement: FLCN is on the minus strand). VCF-style: chr17-17219104-G-A. GRCh37 (hg19) VCF-style: chr17-17122418-G-A.
Other names: c.1031C>T, p.Pro344Leu (NM_001353229.2); c.977C>T, p.Pro326Leu (NM_001353230.2, NM_001353231.2); c.977C>T (LRG_325t1); short protein forms P326L, P344L.
Identifiers: ClinVar variation 322065 (VCV000322065.55), dbSNP rs138031155, ClinGen allele CA8416182.
Genomic context (GRCh38, chr17:17,219,104, plus strand): 5'-AAGACTGGCAGCTTCCGGGGCTGCCAGCTCCCACAGCCTGAGAGAGAGGAGGACTCTGCC[G>A]GGCCCTGGGTCAGCTCCCGCCCTTCTGTACTCTCTGGCAACACAGGGGCTTTCTCCTCCT-3'
Protein context (NP_659434.2, residues 316-336): STEGRELTQG[Pro326Leu]AESSSLSGCG